The following is an entry in ClinVar:

NM_172240.3(POC1B):c.425G>T (p.Arg142Leu)

Genes: POC1B (POC1 centriolar protein B; minus strand), POC1B-DUSP6 (POC1B-DUSP6 readthrough; minus strand). Cytogenetic location: 12q21.33.
Variant type: single nucleotide variant.
Coding change: c.425G>T on transcript NM_172240.3 (MANE Select); coding-DNA position 425, G replaced by T.
Protein change: p.Arg142Leu; replaces arginine 142 with leucine.
Molecular consequence: missense variant. On other transcripts: non-coding transcript variant (2).
Genome position (GRCh38, 1-based): chr12:89,491,963, C>A on the plus strand (G>T on the coding strand, the complement: POC1B is on the minus strand). VCF-style: chr12-89491963-C-A. GRCh37 (hg19) VCF-style: chr12-89885740-C-A.
Other names: c.299G>T, p.Arg100Leu (NM_001199777.2); c.425G>T (NM_172240.2); short protein forms R100L, R142L.
Identifiers: ClinVar variation 1441634 (VCV001441634.7), dbSNP rs752954312, ClinGen allele CA6714520.

ClinVar aggregate classification (germline): Uncertain significance. Review status: criteria provided, multiple submitters, no conflicts (2 of 4 stars). 2 submissions from 2 submitters: Uncertain significance (2). Last evaluated 2025-07-02.

Conditions:
Inborn genetic diseases. Identifiers: MedGen C0950123, MeSH D030342.

Allele frequency attached by ClinVar (database versions not stated): ExAC 0.00001.
gnomAD v4.1: 51 of 1,575,430 alleles (0.0032%); highest among the groups gnomAD compares: Non-Finnish European, 0.0041%; no homozygotes.

Submissions (2):

Ambry Genetics
Classification: Uncertain significance for Inborn genetic diseases. Last evaluated: 2025-07-02. Review status: criteria provided, single submitter. Criteria: Ambry Variant Classification Scheme 2023. Collection method: clinical testing. Allele origin: germline.

Labcorp Genetics (formerly Invitae), Labcorp
Classification: Uncertain significance. Last evaluated: 2023-08-24. Review status: criteria provided, single submitter. Criteria: Invitae Variant Classification Sherloc (09022015). Collection method: clinical testing. Allele origin: germline.
Comment: The frequency data for this variant in the population databases is considered unreliable, as metrics indicate poor data quality at this position in the gnomAD database. In summary, the available evidence is currently insufficient to determine the role of this variant in disease. Therefore, it has been classified as a Variant of Uncertain Significance. Advanced modeling of protein sequence and biophysical properties (such as structural, functional, and spatial information, amino acid conservation, physicochemical variation, residue mobility, and thermodynamic stability) performed at Invitae indicates that this missense variant is not expected to disrupt POC1B protein function. ClinVar contains an entry for this variant (Variation ID: 1441634). This variant has not been reported in the literature in individuals affected with POC1B-related conditions. This sequence change replaces arginine, which is basic and polar, with leucine, which is neutral and non-polar, at codon 142 of the POC1B protein (p.Arg142Leu).